The following is an entry in ClinVar:

NM_000218.3(KCNQ1):c.1514+19125G>A

Genes: KCNQ1 (potassium voltage-gated channel subfamily Q member 1; plus strand), KCNQ1OT1 (KCNQ1 opposite strand/antisense transcript 1; minus strand). Cytogenetic location: 11p15.5.
Variant type: single nucleotide variant.
Coding change: c.1514+19125G>A on transcript NM_000218.3 (MANE Select); 19125 bases into the intron after coding-DNA position 1514, G replaced by A.
Molecular consequence: intron variant. On other transcripts: non-coding transcript variant (1).
Genome position (GRCh38, 1-based): chr11:2,681,206, G>A. VCF-style: chr11-2681206-G-A. GRCh37 (hg19) VCF-style: chr11-2702436-G-A.
Other names: c.1244+19125G>A (NM_001406837.1); c.1418+19125G>A (NM_001406836.1); c.974+19125G>A (NM_001406838.1); c.1133+19125G>A (NM_181798.2).
Identifiers: ClinVar variation 2641482 (VCV002641482.24), dbSNP rs140575225, ClinGen allele CA216185149.

ClinVar aggregate classification (germline): Benign (1 of 4 stars; one submission).

Allele frequency attached by ClinVar (database versions not stated): 1000 Genomes Project 0.00020; 1000 Genomes Project 30x 0.00031; TOPMed 0.00057.
gnomAD v4.1: 266 of 398,602 alleles (0.067%); highest among the groups gnomAD compares: Non-Finnish European, 0.11%; no homozygotes.

Submission:

CeGaT Center for Human Genetics Tuebingen
Classification: Benign. Last evaluated: 2026-09-01. Review status: criteria provided, single submitter. Criteria: CeGaT Center For Human Genetics Tuebingen Variant Classification Criteria Version 2. Collection method: clinical testing. Allele origin: germline. Affected: yes. Observed: 4 variant alleles.
Comment: KCNQ1OT1: BS1, BS2